The following is an entry in ClinVar:

NM_000719.7(CACNA1C):c.457A>G (p.Asn153Asp)

Gene: CACNA1C (calcium voltage-gated channel subunit alpha1 C; plus strand). Cytogenetic location: 12p13.33.
Variant type: single nucleotide variant.
Coding change: c.457A>G on transcript NM_000719.7 (MANE Select); coding-DNA position 457, A replaced by G.
Protein change: p.Asn153Asp; replaces asparagine 153 with aspartic acid.
Molecular consequence: missense variant.
Genome position (GRCh38, 1-based): chr12:2,120,410, A>G. VCF-style: chr12-2120410-A-G. GRCh37 (hg19) VCF-style: chr12-2229576-A-G.
Other names: c.457A>G, p.Asn153Asp (NM_001129827.2, NM_001129829.2, NM_001129830.3 and 19 more transcripts); short protein forms N153D.
Identifiers: ClinVar variation 3021834 (VCV003021834.3), dbSNP rs2086037996, ClinGen allele CA383653821.

ClinVar aggregate classification (germline): Uncertain significance (1 of 4 stars; one submission).

Conditions:
Long QT syndrome (LQTS). Identifiers: MedGen C0023976, MeSH D008133, MONDO:0002442. Disease mechanism: loss of function. Inheritance: Various modes of inheritance.

Allele frequency attached by ClinVar (database versions not stated): TOPMed 0.00001.

Submission:

Labcorp Genetics (formerly Invitae), Labcorp
Classification: Uncertain significance for Long QT syndrome. Last evaluated: 2023-12-22. Review status: criteria provided, single submitter. Criteria: Invitae Variant Classification Sherloc (09022015). Collection method: clinical testing. Allele origin: germline.
Comment: This sequence change replaces asparagine, which is neutral and polar, with aspartic acid, which is acidic and polar, at codon 153 of the CACNA1C protein (p.Asn153Asp). This variant is not present in population databases (gnomAD no frequency). This missense change has been observed in individual(s) with clinical features of Timothy syndrome (PMID: 34079577). Advanced modeling of protein sequence and biophysical properties (such as structural, functional, and spatial information, amino acid conservation, physicochemical variation, residue mobility, and thermodynamic stability) has been performed at Invitae for this missense variant, however the output from this modeling did not meet the statistical confidence thresholds required to predict the impact of this variant on CACNA1C protein function. In summary, the available evidence is currently insufficient to determine the role of this variant in disease. Therefore, it has been classified as a Variant of Uncertain Significance.

Literature cited by the submitters: PubMed 34079577.